The following is an entry in ClinVar:

ClinVar aggregate classification (germline): Uncertain significance. Review status: criteria provided, multiple submitters, no conflicts (2 of 4 stars). 2 submissions from 2 submitters: Uncertain significance (2). Last evaluated 2024-07-15.

Conditions:
Hereditary spastic paraplegia 39 (SPG39). Also called: SPASTIC PARAPLEGIA 39, AUTOSOMAL RECESSIVE; Spastic Paraplegia Type 39 (SPG39). Identifiers: Orphanet 139480, MedGen C2677586, MONDO:0012787, OMIM 612020.

gnomAD v4.1: 15 of 1,608,852 alleles (0.00093%); highest among the groups gnomAD compares: Middle Eastern, 0.018%; no homozygotes.

Submissions (2):

Labcorp Genetics (formerly Invitae), Labcorp
Classification: Uncertain significance for Hereditary spastic paraplegia 39. Last evaluated: 2024-07-15. Review status: criteria provided, single submitter. Criteria: Invitae Variant Classification Sherloc (09022015). Collection method: clinical testing. Allele origin: germline.
Comment: This sequence change replaces leucine, which is neutral and non-polar, with valine, which is neutral and non-polar, at codon 1316 of the PNPLA6 protein (p.Leu1316Val). This variant is present in population databases (rs150392453, gnomAD 0.007%). This variant has not been reported in the literature in individuals affected with PNPLA6-related conditions. ClinVar contains an entry for this variant (Variation ID: 999726). Advanced modeling of protein sequence and biophysical properties (such as structural, functional, and spatial information, amino acid conservation, physicochemical variation, residue mobility, and thermodynamic stability) performed at Invitae indicates that this missense variant is not expected to disrupt PNPLA6 protein function with a negative predictive value of 95%. In summary, the available evidence is currently insufficient to determine the role of this variant in disease. Therefore, it has been classified as a Variant of Uncertain Significance.

GeneDx
Classification: Uncertain significance. Last evaluated: 2022-04-11. Review status: criteria provided, single submitter. Criteria: GeneDx Variant Classification Process June 2021. Collection method: clinical testing. Allele origin: germline. Affected: yes.
Comment: Not observed at significant frequency in large population cohorts (gnomAD); In silico analysis supports that this missense variant does not alter protein structure/function; Has not been previously published as pathogenic or benign to our knowledge

NM_001166114.2(PNPLA6):c.4060C>G (p.Leu1354Val)

Gene: PNPLA6 (patatin like domain 6, lysophospholipase; plus strand). Cytogenetic location: 19p13.2.
Variant type: single nucleotide variant.
Coding change: c.4060C>G on transcript NM_001166114.2 (MANE Select); coding-DNA position 4060, C replaced by G.
Protein change: p.Leu1354Val; replaces leucine 1354 with valine.
Molecular consequence: missense variant.
Genome position (GRCh38, 1-based): chr19:7,561,524, C>G. VCF-style: chr19-7561524-C-G. GRCh37 (hg19) VCF-style: chr19-7626410-C-G.
Other names: c.4090C>G, p.Leu1364Val (NM_001166111.2); c.3865C>G, p.Leu1289Val (NM_001166112.2); c.3946C>G, p.Leu1316Val (NM_001166113.1, NM_006702.5); short protein forms L1289V, L1316V, L1354V, L1364V.
Identifiers: ClinVar variation 999726 (VCV000999726.9), dbSNP rs150392453, ClinGen allele CA9140700.
Genomic context (GRCh38, chr19:7,561,524, plus strand): 5'-CGTGTGTGTGACCTTCCCTCGCAGGAGGAGGAGAAGTCGATTCTCCGGCAACGACGCTGT[C>G]TGCCCCAGGAGCCGCCCGGCTCAGCCACAGATGCCTGAGGACCTCGACAGGGGTCACCCC-3'
Protein context (NP_001159586.1, residues 1344-1364): EKSILRQRRC[Leu1354Val]PQEPPGSATD